The following is an entry in ClinVar:

ClinVar aggregate classification (germline): Likely pathogenic. Review status: criteria provided, multiple submitters, no conflicts (2 of 4 stars). 3 submissions from 3 submitters: Likely pathogenic (2). 1 of the submissions does not count toward it. Last evaluated 2025-08-11.

Conditions:
Hereditary cancer-predisposing syndrome. Also called: Hereditary Cancer Syndrome; Neoplastic Syndromes, Hereditary; Tumor predisposition; Hereditary neoplastic syndrome. Identifiers: Orphanet 140162, MedGen C0027672, MeSH D009386, MONDO:0015356.
Ataxia-telangiectasia syndrome (AT). Also called: Cerebello-oculocutaneous telangiectasia; Immunodeficiency with ataxia telangiectasia; Ataxia-telangiectasia, complementation group E; Ataxia-telangiectasia, complementation group D; AT, COMPLEMENTATION GROUP C; ATAXIA-TELANGIECTASIA, COMPLEMENTATION GROUP A. Identifiers: Orphanet 100, MedGen C0004135, MONDO:0008840, OMIM 208900.

Submissions (3):

Ambry Genetics
Classification: Likely pathogenic for Hereditary cancer-predisposing syndrome. Last evaluated: 2025-08-11. Review status: criteria provided, single submitter. Criteria: Ambry Variant Classification Scheme 2023. Collection method: clinical testing. Allele origin: germline.
Comment: The c.5919-2A>C intronic variant results from an A to C substitution two nucleotides upstream from coding exon 39 in the ATM gene. This nucleotide position is highly conserved in available vertebrate species. This variant is considered to be rare based on population cohorts in the Genome Aggregation Database (gnomAD). In silico splice site analysis predicts that this alteration will weaken the native splice acceptor site; however, direct evidence is insufficient at this time (Ambry internal data). Alterations that disrupt the canonical splice site are expected to cause aberrant splicing, resulting in an abnormal protein or a transcript that is subject to nonsense-mediated mRNA decay. As such, this alteration is classified as likely pathogenic.

Labcorp Genetics (formerly Invitae), Labcorp
Classification: Likely pathogenic for Ataxia-telangiectasia syndrome. Last evaluated: 2025-03-16. Review status: criteria provided, single submitter. Criteria: Invitae Variant Classification Sherloc (09022015). Collection method: clinical testing. Allele origin: germline.
Comment: This sequence change affects an acceptor splice site in intron 39 of the ATM gene. It is expected to disrupt RNA splicing. Variants that disrupt the donor or acceptor splice site typically lead to a loss of protein function (PMID: 16199547), and loss-of-function variants in ATM are known to be pathogenic (PMID: 23807571, 25614872). This variant is not present in population databases (gnomAD no frequency). This variant has not been reported in the literature in individuals affected with ATM-related conditions. ClinVar contains an entry for this variant (Variation ID: 556891). Algorithms developed to predict the effect of sequence changes on RNA splicing suggest that this variant may disrupt the consensus splice site. In summary, the currently available evidence indicates that the variant is pathogenic, but additional data are needed to prove that conclusively. Therefore, this variant has been classified as Likely Pathogenic.

Counsyl
Classification: Likely pathogenic for Ataxia-telangiectasia syndrome. Last evaluated: 2018-02-26. Review status: no assertion criteria provided. Collection method: clinical testing. Allele origin: unknown. Not counted in ClinVar's aggregate classification.

Literature cited by the submitters: PubMed 16199547 (cited by Labcorp Genetics (formerly Invitae), Labcorp); PubMed 23807571 (cited by Labcorp Genetics (formerly Invitae), Labcorp); PubMed 25614872 (cited by Labcorp Genetics (formerly Invitae), Labcorp).

NM_000051.4(ATM):c.5919-2A>C

Genes: ATM (ATM serine/threonine kinase; plus strand), C11orf65 (chromosome 11 open reading frame 65; minus strand). Cytogenetic location: 11q22.3.
Variant type: single nucleotide variant.
Coding change: c.5919-2A>C on transcript NM_000051.4 (MANE Select); the canonical splice acceptor site of the intron before coding-DNA position 5919, A replaced by C.
Molecular consequence: splice acceptor variant. On other transcripts: intron variant (2).
Genome position (GRCh38, 1-based): chr11:108,312,409, A>C. VCF-style: chr11-108312409-A-C. GRCh37 (hg19) VCF-style: chr11-108183136-A-C.
Other names: c.5919-2A>C (NM_001351834.2); c.641-3338T>G (NM_001330368.2); c.*39-3338T>G (NM_001351110.2).
Identifiers: ClinVar variation 556891 (VCV000556891.8), dbSNP rs746623393, ClinGen allele CA382548620.
Genomic context (GRCh38, chr11:108,312,409, plus strand): 5'-ATGTATTCAGGAGCTTCCAAATAGTATGTTCTCATTAAAAGAGGTGTTCTTGTGACAAAC[A>C]GAAGTCTTGCATTTGAAGAAGGAAGCCAGAGTACAACTATTTCTAGCTTGAGTGAAAAAA-3'